The following is an entry in ClinVar:

NM_006790.3(MYOT):c.337C>T (p.Pro113Ser)

Genes: MYOT (myotilin; plus strand), PKD2L2-DT (PKD2L2 divergent transcript; minus strand). Cytogenetic location: 5q31.2.
Variant type: single nucleotide variant.
Coding change: c.337C>T on transcript NM_006790.3 (MANE Select); coding-DNA position 337, C replaced by T.
Protein change: p.Pro113Ser; replaces proline 113 with serine.
Molecular consequence: missense variant. On other transcripts: 5 prime UTR variant (1), intron variant (1).
Genome position (GRCh38, 1-based): chr5:137,870,988, C>T. VCF-style: chr5-137870988-C-T. GRCh37 (hg19) VCF-style: chr5-137206677-C-T.
Other names: c.-9C>T (NM_001300911.2); c.-197+463C>T (NM_001135940.2); short protein forms P113S.
Identifiers: ClinVar variation 4690495 (VCV004690495.1).

ClinVar aggregate classification (germline): Uncertain significance (1 of 4 stars; one submission).

Conditions:
Myofibrillar myopathy 3 (MFM3). Also called: Autosomal dominant spheroid body myopathy; Muscular dystrophy, proximal, type 1A. Identifiers: Orphanet 266, Orphanet 268129, MedGen C3714934, MONDO:0012215, OMIM 609200.

Submission:

Labcorp Genetics (formerly Invitae), Labcorp
Classification: Uncertain significance for Myofibrillar myopathy 3. Last evaluated: 2025-06-12. Review status: criteria provided, single submitter. Criteria: Invitae Variant Classification Sherloc (09022015). Collection method: clinical testing. Allele origin: germline.
Comment: This sequence change replaces proline, which is neutral and non-polar, with serine, which is neutral and polar, at codon 113 of the MYOT protein (p.Pro113Ser). This variant is not present in population databases (gnomAD no frequency). This variant has not been reported in the literature in individuals affected with MYOT-related conditions. Invitae Evidence Modeling of protein sequence and biophysical properties (such as structural, functional, and spatial information, amino acid conservation, physicochemical variation, residue mobility, and thermodynamic stability) indicates that this missense variant is not expected to disrupt MYOT protein function with a negative predictive value of 80%. In summary, the available evidence is currently insufficient to determine the role of this variant in disease. Therefore, it has been classified as a Variant of Uncertain Significance.